The following is an entry in ClinVar:

ClinVar aggregate classification (germline): Uncertain significance. Review status: criteria provided, multiple submitters, no conflicts (2 of 4 stars). 2 submissions from 2 submitters: Uncertain significance (2). Last evaluated 2025-05-19.

Conditions:
Cardiovascular phenotype. Identifiers: MedGen CN230736.

gnomAD v4.1: 2 of 1,613,782 alleles (0.00012%); highest among the groups gnomAD compares: East Asian, 0.0045%; no homozygotes.

Submissions (2):

Ambry Genetics
Classification: Uncertain significance for Cardiovascular phenotype. Last evaluated: 2025-05-19. Review status: criteria provided, single submitter. Criteria: Ambry Variant Classification Scheme 2023. Collection method: clinical testing. Allele origin: germline.

Labcorp Genetics (formerly Invitae), Labcorp
Classification: Uncertain significance. Last evaluated: 2025-05-13. Review status: criteria provided, single submitter. Criteria: Invitae Variant Classification Sherloc (09022015). Collection method: clinical testing. Allele origin: germline.
Comment: This sequence change replaces alanine, which is neutral and non-polar, with threonine, which is neutral and polar, at codon 774 of the ALPK3 protein (p.Ala774Thr). This variant is present in population databases (no rsID available, gnomAD 0.006%). This variant has not been reported in the literature in individuals affected with ALPK3-related conditions. Invitae Evidence Modeling of protein sequence and biophysical properties (such as structural, functional, and spatial information, amino acid conservation, physicochemical variation, residue mobility, and thermodynamic stability) indicates that this missense variant is not expected to disrupt ALPK3 protein function with a negative predictive value of 80%. In summary, the available evidence is currently insufficient to determine the role of this variant in disease. Therefore, it has been classified as a Variant of Uncertain Significance.

NM_020778.5(ALPK3):c.1714G>A (p.Ala572Thr)

Gene: ALPK3 (alpha kinase 3; plus strand). Cytogenetic location: 15q25.3.
Variant type: single nucleotide variant.
Coding change: c.1714G>A on transcript NM_020778.5 (MANE Select); coding-DNA position 1714, G replaced by A.
Protein change: p.Ala572Thr; replaces alanine 572 with threonine.
Molecular consequence: missense variant.
Genome position (GRCh38, 1-based): chr15:84,856,452, G>A. VCF-style: chr15-84856452-G-A. GRCh37 (hg19) VCF-style: chr15-85399683-G-A.
Other names: short protein forms A572T.
Identifiers: ClinVar variation 4045144 (VCV004045144.2).